The following is an entry in ClinVar:

NM_000051.4(ATM):c.1899-23_1899-16delinsGGTA

Gene: ATM (ATM serine/threonine kinase; plus strand). Cytogenetic location: 11q22.3.
Variant type: Indel.
Coding change: c.1899-23_1899-16delinsGGTA on transcript NM_000051.4 (MANE Select); 23 bases into the intron before coding-DNA position 1899 through 16 bases into the intron before coding-DNA position 1899, TTAAAGAT replaced by GGTA.
Molecular consequence: intron variant.
Genome position (GRCh38, 1-based): chr11:108,253,791-108,253,798, TTAAAGAT replaced by GGTA. VCF-style: chr11-108253791-TTAAAGAT-GGTA. GRCh37 (hg19) VCF-style: chr11-108124518-TTAAAGAT-GGTA.
Other names: c.1899-23_1899-16delinsGGTA (NM_001351834.2).
Identifiers: ClinVar variation 3254214 (VCV003254214.1), dbSNP rs2497307108.
Genomic context (GRCh38, chr11:108,253,791, plus strand): 5'-TTCCTTTGTAATATATTGCTAATACATATAAGGCAAAGCATTAGGTACTTGGTTTATATA[TTAAAGAT>GGTA]CTTACTTTCTTGAAGTGAACACCACCAAAAAGATAAAGAAGAACTTTCATTCTCAGAAGT-3'

ClinVar aggregate classification (germline): Likely benign (1 of 4 stars; one submission).

Conditions:
Familial cancer of breast. Also called: BREAST CANCER, FAMILIAL; Hereditary breast cancer; hereditary breast carcinoma. Identifiers: Orphanet 227535, MedGen C0346153, MONDO:0016419, OMIM 114480. Disease mechanism: loss of function.

Submission:

Myriad Genetics, Inc.
Classification: Likely benign for Familial cancer of breast. Last evaluated: 2024-05-02. Review status: criteria provided, single submitter. Criteria: Myriad Autosomal Dominant, Autosomal Recessive and X-Linked Classification Criteria (2023). Collection method: clinical testing. Allele origin: unknown.
Comment: This variant is considered likely benign. This variant is intronic and is not expected to impact mRNA splicing.